The following is an entry in ClinVar:

NM_001171613.2(PREPL):c.241G>T (p.Val81Leu)

Gene: PREPL (prolyl endopeptidase like; minus strand). Cytogenetic location: 2p21.
Variant type: single nucleotide variant.
Coding change: c.241G>T on transcript NM_001171613.2 (MANE Select); coding-DNA position 241, G replaced by T.
Protein change: p.Val81Leu; replaces valine 81 with leucine.
Molecular consequence: missense variant.
Genome position (GRCh38, 1-based): chr2:44,343,853, C>A on the plus strand (G>T on the coding strand, the complement: PREPL is on the minus strand). VCF-style: chr2-44343853-C-A. GRCh37 (hg19) VCF-style: chr2-44570992-C-A.
Other names: c.508G>T, p.Val170Leu (NM_001042385.2, NM_001042386.2, NM_001171603.1 and 4 more transcripts); c.241G>T, p.Val81Leu (NM_001171617.1, NM_001374277.1); short protein forms V170L, V81L.
Identifiers: ClinVar variation 1896717 (VCV001896717.5), dbSNP rs1011441513, ClinGen allele CA46552470.

ClinVar aggregate classification (germline): Uncertain significance (1 of 4 stars; one submission).

Conditions:
Myasthenic syndrome, congenital, 22 (CMS22). Also called: PREPL DEFICIENCY. Identifiers: MedGen C4479088, MONDO:0044299, OMIM 616224.

Allele frequency attached by ClinVar (database versions not stated): gnomAD exomes below 0.00001; TOPMed 0.00001; gnomAD 0.00003.
gnomAD v4.1: 6 of 1,613,872 alleles (0.00037%); highest among the groups gnomAD compares: African/African-American, 0.008%; no homozygotes.

Submission:

Labcorp Genetics (formerly Invitae), Labcorp
Classification: Uncertain significance for Myasthenic syndrome, congenital, 22. Last evaluated: 2025-01-06. Review status: criteria provided, single submitter. Criteria: Invitae Variant Classification Sherloc (09022015). Collection method: clinical testing. Allele origin: germline.
Comment: This sequence change replaces valine, which is neutral and non-polar, with leucine, which is neutral and non-polar, at codon 170 of the PREPL protein (p.Val170Leu). This variant is present in population databases (no rsID available, gnomAD 0.008%). This variant has not been reported in the literature in individuals affected with PREPL-related conditions. ClinVar contains an entry for this variant (Variation ID: 1896717). Invitae Evidence Modeling of protein sequence and biophysical properties (such as structural, functional, and spatial information, amino acid conservation, physicochemical variation, residue mobility, and thermodynamic stability) indicates that this missense variant is not expected to disrupt PREPL protein function with a negative predictive value of 80%. In summary, the available evidence is currently insufficient to determine the role of this variant in disease. Therefore, it has been classified as a Variant of Uncertain Significance.